The following is an entry in ClinVar:

ClinVar aggregate classification (germline): Uncertain significance. Review status: criteria provided, multiple submitters, no conflicts (2 of 4 stars). 2 submissions from 2 submitters: Uncertain significance (2). Last evaluated 2025-09-21.

Conditions:
Inborn genetic diseases. Identifiers: MedGen C0950123, MeSH D030342.

Submissions (2):

Labcorp Genetics (formerly Invitae), Labcorp
Classification: Uncertain significance. Last evaluated: 2025-09-21. Review status: criteria provided, single submitter. Criteria: Invitae Variant Classification Sherloc (09022015). Collection method: clinical testing. Allele origin: germline.
Comment: This sequence change replaces proline, which is neutral and non-polar, with serine, which is neutral and polar, at codon 2625 of the SRCAP protein (p.Pro2625Ser). This variant is present in population databases (rs745354652, gnomAD 0.01%). This variant has not been reported in the literature in individuals affected with SRCAP-related conditions. ClinVar contains an entry for this variant (Variation ID: 3801269). Invitae Evidence Modeling of protein sequence and biophysical properties (such as structural, functional, and spatial information, amino acid conservation, physicochemical variation, residue mobility, and thermodynamic stability) indicates that this missense variant is not expected to disrupt SRCAP protein function with a negative predictive value of 80%. In summary, the available evidence is currently insufficient to determine the role of this variant in disease. Therefore, it has been classified as a Variant of Uncertain Significance.

Ambry Genetics
Classification: Uncertain significance for Inborn genetic diseases. Last evaluated: 2025-02-22. Review status: criteria provided, single submitter. Criteria: Ambry Variant Classification Scheme 2023. Collection method: clinical testing. Allele origin: germline.

NM_006662.3(SRCAP):c.7873C>T (p.Pro2625Ser)

Gene: SRCAP (Snf2 related CREBBP activator protein; plus strand). Cytogenetic location: 16p11.2.
Variant type: single nucleotide variant.
Coding change: c.7873C>T on transcript NM_006662.3 (MANE Select); coding-DNA position 7873, C replaced by T.
Protein change: p.Pro2625Ser; replaces proline 2625 with serine.
Molecular consequence: missense variant.
Genome position (GRCh38, 1-based): chr16:30,737,913, C>T. VCF-style: chr16-30737913-C-T. GRCh37 (hg19) VCF-style: chr16-30749234-C-T.
Other names: short protein forms P2625S.
Identifiers: ClinVar variation 3801269 (VCV003801269.2).